The following is an entry in ClinVar:

ClinVar aggregate classification (germline): Uncertain significance (1 of 4 stars; one submission).

Conditions:
Rolandic epilepsy, impaired intellectual development, and speech dyspraxia, X-linked. Also called: Rolandic epilepsy, intellectual disability, and speech dyspraxia, X-linked; Rolandic epilepsy, impaired intellectual development, and speech dyspraxia. Identifiers: MedGen C1845070, MONDO:0010388, OMIM 300643.

Allele frequency attached by ClinVar (database versions not stated): TOPMed 0.00002.

Submission:

Victorian Clinical Genetics Services, Murdoch Childrens Research Institute
Classification: Uncertain significance for Rolandic epilepsy, impaired intellectual development, and speech dyspraxia, X-linked. Last evaluated: 2019-08-28. Review status: criteria provided, single submitter. Criteria: ACMG Guidelines, 2015. Collection method: clinical testing. Allele origin: germline. Inheritance: Unknown mechanism. Affected: yes.
Comment: A heterozygous missense variant was identified, NM_014467.2(SRPX2):c.49C>G in exon 2 of 11 of the SPRX2 gene. This substitution is predicted to create a minor amino acid change from leucine to valine at position 17 of the protein, NP_055282.1(SPRX2):p.(Leu17Val). The leucine at this position has high conservation (100 vertebrates, UCSC), but is not situated in a known functional domain. In silico software predictions of the pathogenicity of this variant are conflicting (Polyphen, SIFT, CADD, Mutation Taster). The variant is not present in the gnomAD population database. The variant has not been previously reported in a clinical testing setting. Based on information available at the time of curation, this variant has been classified as a VARIANT of UNCERTAIN SIGNIFICANCE (VUS).

NM_014467.3(SRPX2):c.49C>G (p.Leu17Val)

Gene: SRPX2 (sushi repeat containing protein X-linked 2; plus strand). Cytogenetic location: Xq22.1.
Variant type: single nucleotide variant.
Coding change: c.49C>G on transcript NM_014467.3 (MANE Select); coding-DNA position 49, C replaced by G.
Protein change: p.Leu17Val; replaces leucine 17 with valine.
Molecular consequence: missense variant.
Genome position (GRCh38, 1-based): chrX:100,646,371, C>G. VCF-style: chrX-100646371-C-G. GRCh37 (hg19) VCF-style: chrX-99901368-C-G.
Other names: short protein forms L17V.
Identifiers: ClinVar variation 1699075 (VCV001699075.3), dbSNP rs1422524189, ClinGen allele CA413922634.